The following is an entry in ClinVar:

ClinVar aggregate classification (germline): Uncertain significance. Review status: criteria provided, multiple submitters, no conflicts (2 of 4 stars). 3 submissions from 3 submitters: Uncertain significance (3). Last evaluated 2024-07-29.

Conditions:
Epidermolysis bullosa simplex 5B, with muscular dystrophy (EBS5B). Also called: EPIDERMOLYSIS BULLOSA SIMPLEX AND LIMB-GIRDLE MUSCULAR DYSTROPHY; Epidermolysis bullosa simplex with muscular dystrophy. Identifiers: Orphanet 257, MedGen C2931072, MONDO:0009181, OMIM 226670.
Epidermolysis bullosa simplex, Ogna type (EBS5A). Also called: EPIDERMOLYSIS BULLOSA SIMPLEX 5A, OGNA TYPE; Pidermolysis bullosa simplex 5A, Ogna type. Identifiers: Orphanet 79401, MedGen C0432317, MONDO:0007555, OMIM 131950.
Epidermolysis bullosa simplex 5C, with pyloric atresia (EBS5C). Also called: PLEC1-Related Epidermolysis Bullosa with Pyloric Atresia; PLEC-Related Epidermolysis Bullosa with Pyloric Atresia; Epidermolysis bullosa simplex with pyloric atresia. Identifiers: Orphanet 158684, MedGen C2677349, MONDO:0012807, OMIM 612138.
Epidermolysis bullosa simplex with nail dystrophy (EBS5D). Identifiers: MedGen C4225309, MONDO:0014661, OMIM 616487.
Autosomal recessive limb-girdle muscular dystrophy type 2Q (LGMDR17). Also called: MUSCULAR DYSTROPHY, LIMB-GIRDLE, AUTOSOMAL RECESSIVE 17. Identifiers: Orphanet 254361, MedGen C3150989, MONDO:0013390, OMIM 613723.

Submissions (3):

Labcorp Genetics (formerly Invitae), Labcorp
Classification: Uncertain significance for Autosomal recessive limb-girdle muscular dystrophy type 2Q; Epidermolysis bullosa simplex, Ogna type; Epidermolysis bullosa simplex with nail dystrophy; Epidermolysis bullosa simplex 5C, with pyloric atresia; Epidermolysis bullosa simplex 5B, with muscular dystrophy. Last evaluated: 2024-07-29. Review status: criteria provided, single submitter. Criteria: Invitae Variant Classification Sherloc (09022015). Collection method: clinical testing. Allele origin: germline.
Comment: This variant, c.2093_2095del, results in the deletion of 1 amino acid(s) of the PLEC protein (p.Lys698del), but otherwise preserves the integrity of the reading frame. This variant is present in population databases (rs782157103, gnomAD 0.006%). This variant has not been reported in the literature in individuals affected with PLEC-related conditions. ClinVar contains an entry for this variant (Variation ID: 450111). Experimental studies and prediction algorithms are not available or were not evaluated, and the functional significance of this variant is currently unknown. In summary, the available evidence is currently insufficient to determine the role of this variant in disease. Therefore, it has been classified as a Variant of Uncertain Significance.

Revvity Omics, Revvity
Classification: Uncertain significance. Last evaluated: 2022-06-15. Review status: criteria provided, single submitter. Criteria: ACMG Guidelines, 2015. Collection method: clinical testing. Allele origin: germline.

GeneDx
Classification: Uncertain significance. Last evaluated: 2017-07-17. Review status: criteria provided, single submitter. Criteria: GeneDx Variant Classification (06012015). Collection method: clinical testing. Allele origin: germline. Affected: yes.
Comment: A variant of uncertain significance has been identified in the PLEC gene. The c.2093_2095delAGA variant has not been published as a pathogenic variant, nor has it been reported as a benign variant to our knowledge. The c.2093_2095delAGA variant is not observed at a significant frequency in large population cohorts (Lek et al., 2016; 1000 Genomes Consortium et al., 2015; Exome Variant Server). The c.2093_2095delAGA variant results in an in-frame deletion of one amino acid, denoted p.Lys698del. This variant occurs at a position that is conserved in mammals. In silico analysis is inconsistent in its predictions as to whether or not the variant is damaging to the protein structure/function. However, other in-frame deletions or missense variants have not been reported at nearby residues in the Human Gene Mutation Database (Stenson et al., 2014). Therefore, based on the currently available information, it is unclear whether this variant is a pathogenic variant or a rare benign variant.

NM_201384.3(PLEC):c.2006AGA[2] (p.Lys671del)

Gene: PLEC (plectin; minus strand). Cytogenetic location: 8q24.3.
Variant type: Microsatellite.
Coding change: c.2006AGA[2] on transcript NM_201384.3 (MANE Select); two copies in a row of the 3-base unit AGA starting at c.2006; the reference has three copies in a row; one copy, 3 bases deleted.
Protein change: p.Lys671del; deletes lysine 671.
Molecular consequence: inframe deletion.
Genome position (GRCh38, 1-based): chr8:143,932,198-143,932,200, TCT deleted on the plus strand (AGA on the coding strand, the reverse complement: PLEC is on the minus strand); deleting any 3 consecutive bases within chr8:143,932,198-143,932,206 gives the same sequence; the position shown is the placement nearest the transcript's 3' end. VCF-style (leftmost placement, unchanged base first): chr8-143932197-ATCT-A. GRCh37 (hg19) VCF-style: chr8-145006365-ATCT-A.
Other names: c.2087AGA[2], p.Lys698del (NM_000445.5); c.1964AGA[2], p.Lys657del (NM_201378.4); c.1940AGA[2], p.Lys649del (NM_201379.3); c.2417AGA[2], p.Lys808del (NM_201380.4); c.1910AGA[2], p.Lys639del (NM_201381.3); c.2006AGA[2], p.Lys671del (NM_201382.4); c.2018AGA[2], p.Lys675del (NM_201383.3); c.2093_2095del (NM_000445.5); short protein forms K639del, K649del, K657del, K671del, K675del, K698del, K808del.
Identifiers: ClinVar variation 450111 (VCV000450111.9), dbSNP rs782157103, ClinGen allele CA4927729.